The following is an entry in ClinVar:

NM_000487.6(ARSA):c.942G>T (p.Glu314Asp)

Gene: ARSA (arylsulfatase A; minus strand). Cytogenetic location: 22q13.33.
Variant type: single nucleotide variant.
Coding change: c.942G>T on transcript NM_000487.6 (MANE Select); coding-DNA position 942, G replaced by T.
Protein change: p.Glu314Asp; replaces glutamic acid 314 with aspartic acid.
Molecular consequence: missense variant.
Genome position (GRCh38, 1-based): chr22:50,626,191, C>A on the plus strand (G>T on the coding strand, the complement: ARSA is on the minus strand). VCF-style: chr22-50626191-C-A. GRCh37 (hg19) VCF-style: chr22-51064619-C-A.
Other names: c.942G>T, p.Glu314Asp (NM_001085425.3, NM_001085426.3, NM_001085427.3); c.684G>T, p.Glu228Asp (NM_001085428.3, NM_001362782.2); short protein forms E314D, E228D.
Identifiers: ClinVar variation 68166 (VCV000068166.9), dbSNP rs199476390, ClinGen allele CA219088.

ClinVar aggregate classification (germline): Likely pathogenic. Review status: criteria provided, multiple submitters, no conflicts (2 of 4 stars). 6 submissions from 6 submitters: Likely pathogenic (5). 1 of the submissions does not count toward it. Last evaluated 2025-10-01.

Conditions:
Metachromatic leukodystrophy (MLD). Also called: ARSA DEFICIENCY; CEREBROSIDE SULFATASE DEFICIENCY; METACHROMATIC LEUKOENCEPHALOPATHY; Cerebral sclerosis diffuse metachromatic form; Arylsulfatase A Deficiency; SULFATIDE LIPIDOSIS. Identifiers: Orphanet 512, MedGen C0023522, MONDO:0018868, OMIM 250100.

Allele frequency attached by ClinVar (database versions not stated): TOPMed below 0.00001.

Submissions (6):

Labcorp Genetics (formerly Invitae), Labcorp
Classification: Likely pathogenic for Metachromatic leukodystrophy. Last evaluated: 2025-10-01. Review status: criteria provided, single submitter. Criteria: Invitae Variant Classification Sherloc (09022015). Collection method: clinical testing. Allele origin: germline.
Comment: This sequence change replaces glutamic acid, which is acidic and polar, with aspartic acid, which is acidic and polar, at codon 314 of the ARSA protein (p.Glu314Asp). This variant is present in population databases (rs199476390, gnomAD 0.005%). This missense change has been observed in individual(s) with metachromatic leukodystrophy (PMID: 10751093, 28762252). This variant is also known as E312D. ClinVar contains an entry for this variant (Variation ID: 68166). Invitae Evidence Modeling of protein sequence and biophysical properties (such as structural, functional, and spatial information, amino acid conservation, physicochemical variation, residue mobility, and thermodynamic stability) has been performed for this missense variant. However, the output from this modeling did not meet the statistical confidence thresholds required to predict the impact of this variant on ARSA protein function. Experimental studies have shown that this missense change affects ARSA function (PMID: 10751093, 28762252). In summary, the currently available evidence indicates that the variant is pathogenic, but additional data are needed to prove that conclusively. Therefore, this variant has been classified as Likely Pathogenic.

GeneDx
Classification: Likely pathogenic. Last evaluated: 2025-05-29. Review status: criteria provided, single submitter. Criteria: GeneDx Variant Classification Process June 2021. Collection method: clinical testing. Allele origin: germline. Affected: yes.
Comment: Published functional studies demonstrate a damaging effect with decreased enzyme activity when compared to wild type (PMID: 28762252); Not observed at significant frequency in large population cohorts (gnomAD); In silico analysis suggests that this missense variant does not alter protein structure/function; Also known as E312D; This variant is associated with the following publications: (PMID: 10751093, 25965562, 28762252, 24001781)

Natera, Inc.
Classification: Likely pathogenic for Metachromatic leukodystrophy. Last evaluated: 2024-08-21. Review status: criteria provided, single submitter. Criteria: Natera Variant Classification Schema (03/2026). Collection method: clinical testing. Allele origin: germline.
Comment: The c.942G>T variant in ARSA is a missense variant predicted to cause substitution of glutamic acid to aspartic acid at amino acid 314. This variant is rare in the general population with a frequency below the threshold expected for the associated phenotype(s). This variant has been observed in one or more individuals affected with the associated recessive disease, as either homozygous or compound heterozygous with a second variant (PMID: 10751093, 28762252). Functional studies show that this variant may disrupt protein function (PMID: 10751093). Computational prediction algorithms indicate this variant is likely to affect gene or protein function. Given the available evidence, this variant is classified as Likely Pathogenic.

Women's Health and Genetics/Laboratory Corporation of America, LabCorp
Classification: Likely pathogenic for Metachromatic leukodystrophy. Last evaluated: 2023-02-15. Review status: criteria provided, single submitter. Criteria: LabCorp Variant Classification Summary - May 2015. Collection method: clinical testing. Allele origin: germline.
Comment: Variant summary: ARSA c.942G>T (p.Glu314Asp) results in a conservative amino acid change in the encoded protein sequence. Two of four in-silico tools predict a benign effect of the variant on protein function. The variant allele was found at a frequency of 2.1e-05 in 241008 control chromosomes (gnomAD). c.942G>T has been reported in the literature in individuals affected with Metachromatic Leukodystrophy (ML) or features of ML (example: Bohringer_2017 and Herman_2000). These data do not allow any conclusion about variant significance. Multiple publications reported experimental evidence evaluating an impact on protein function. The most pronounced variant effect results in <10% of normal activity (example: Bohringer_2017 and Herman_2000). One clinical diagnostic laboratory has submitted clinical-significance assessments for this variant to ClinVar after 2014 and classified the variant as uncertain significance. Based on the evidence outlined above, the variant was classified as likely pathogenic.

Baylor Genetics
Classification: Likely pathogenic for Metachromatic leukodystrophy. Review status: criteria provided, single submitter. Criteria: ACMG Guidelines, 2015. Collection method: clinical testing. Allele origin: germline.

UniProtKB/Swiss-Prot
No classification provided. Review status: no classification provided. Collection method: not provided. Allele origin: not provided. Not counted in ClinVar's aggregate classification.

Literature cited by the submitters: PubMed 10751093 (cited by 3 submitters); PubMed 28762252 (cited by 3 submitters); PubMed 12445909 (cited by Women's Health and Genetics/Laboratory Corporation of America, LabCorp); PubMed 15720392 (cited by Women's Health and Genetics/Laboratory Corporation of America, LabCorp).